The following is an entry in ClinVar:

NM_004431.5(EPHA2):c.2826C>T (p.Asp942=)

Gene: EPHA2 (EPH receptor A2; minus strand). Cytogenetic location: 1p36.13.
Variant type: single nucleotide variant.
Coding change: c.2826C>T on transcript NM_004431.5 (MANE Select); coding-DNA position 2826, C replaced by T.
Protein change: p.Asp942=; no amino-acid change (aspartic acid 942 retained).
Molecular consequence: synonymous variant.
Genome position (GRCh38, 1-based): chr1:16,125,320, G>A on the plus strand (C>T on the coding strand, the complement: EPHA2 is on the minus strand). VCF-style: chr1-16125320-G-A. GRCh37 (hg19) VCF-style: chr1-16451815-G-A.
Other names: c.2826C>T (NM_004431.3, NM_004431.4); c.2664C>T, p.Asp888= (NM_001329090.2).
Identifiers: ClinVar variation 1441585 (VCV001441585.10), dbSNP rs143828420, ClinGen allele CA624687.
Genomic context (GRCh38, chr1:16,125,320, plus strand): 5'-CAGGCTGTAGGCGATGCGCTTCTGGTGGCCGGGCAGCCGCACCCCAATCCTCTTGATGTC[G>A]CTGTGGGCCGGGAGGGAGAGAGGGAGAGTTAGGGGCTGGAGCAGGGGAGGGGGCCGGGCT-3'
Protein context (NP_004422.2, residues 932-952): AIEKVVQMTN[Asp942=]DIKRIGVRLP

ClinVar aggregate classification (germline): Conflicting classifications of pathogenicity. Review status: criteria provided, conflicting classifications (1 of 4 stars). 3 submissions from 3 submitters: Uncertain significance (1); Likely benign (1). 1 of the submissions does not count toward it. Last evaluated 2023-08-06.

Conditions:
Cataract 6 multiple types. Also called: CATARACT 6, POSTERIOR POLAR; CATARACT 6, CONGENITAL TOTAL; CATARACT, AGE-RELATED CORTICAL, 2. Identifiers: Orphanet 91492, MedGen C1861825, MONDO:0007288, OMIM 116600.
EPHA2-related disorder. Also called: EPHA2-related condition.
Inborn genetic diseases. Identifiers: MedGen C0950123, MeSH D030342.

Allele frequency attached by ClinVar (database versions not stated): gnomAD exomes 0.00009; ExAC 0.00010; gnomAD 0.00010 and 0.00011; ESP Exome Variant Server 0.00015; TOPMed 0.00022.
gnomAD v4.1: 203 of 1,611,384 alleles (0.013%); highest among the groups gnomAD compares: Non-Finnish European, 0.016%; no homozygotes.

Submissions (3):

Labcorp Genetics (formerly Invitae), Labcorp
Classification: Uncertain significance for Cataract 6 multiple types. Last evaluated: 2023-08-06. Review status: criteria provided, single submitter. Criteria: Invitae Variant Classification Sherloc (09022015). Collection method: clinical testing. Allele origin: germline.
Comment: This sequence change affects codon 942 of the EPHA2 mRNA. It is a 'silent' change, meaning that it does not change the encoded amino acid sequence of the EPHA2 protein. It affects a nucleotide within the consensus splice site. This variant is present in population databases (rs143828420, gnomAD 0.02%). This variant has not been reported in the literature in individuals affected with EPHA2-related conditions. ClinVar contains an entry for this variant (Variation ID: 1441585). Algorithms developed to predict the effect of sequence changes on RNA splicing suggest that this variant is not likely to affect RNA splicing. In summary, the available evidence is currently insufficient to determine the role of this variant in disease. Therefore, it has been classified as a Variant of Uncertain Significance.

Ambry Genetics
Classification: Likely benign for Inborn genetic diseases. Last evaluated: 2023-06-23. Review status: criteria provided, single submitter. Criteria: Ambry Variant Classification Scheme 2023. Collection method: clinical testing. Allele origin: germline.

PreventionGenetics, part of Exact Sciences
Classification: Likely benign for EPHA2-related condition. Last evaluated: 2022-05-09. Review status: no assertion criteria provided. Collection method: clinical testing. Allele origin: germline. Not counted in ClinVar's aggregate classification.
Comment: This variant is classified as likely benign based on ACMG/AMP sequence variant interpretation guidelines (Richards et al. 2015 PMID: 25741868, with internal and published modifications).